The following is an entry in ClinVar:

ClinVar aggregate classification (germline): Benign/Likely benign. Review status: criteria provided, multiple submitters, no conflicts (2 of 4 stars). 16 submissions from 13 submitters: Benign (11); Likely benign (1). 4 of the submissions do not count toward it. Last evaluated 2026-02-04.

Conditions:
Autosomal recessive limb-girdle muscular dystrophy type 2J (LGMDR10). Also called: Limb-girdle muscular dystrophy, type 2J; MUSCULAR DYSTROPHY, LIMB-GIRDLE, AUTOSOMAL RECESSIVE 10. Identifiers: Orphanet 140922, MedGen C1837342, MONDO:0012127, OMIM 608807.
Dilated cardiomyopathy 1G (CMD1G). Identifiers: Orphanet 154, MedGen C1858763, MONDO:0011400, OMIM 604145.
Early-onset myopathy with fatal cardiomyopathy (CMYO5). Also called: Salih Myopathy; CONGENITAL MYOPATHY 5 WITH CARDIOMYOPATHY. Identifiers: Orphanet 289377, MedGen C2673677, MONDO:0012714, OMIM 611705. Disease mechanism: loss of function.
Myopathy, myofibrillar, 9, with early respiratory failure (MFM9). Also called: Hereditary myopathy with early respiratory failure; EDSTROM MYOPATHY; MYOPATHY, PROXIMAL, WITH EARLY RESPIRATORY MUSCLE INVOLVEMENT; Myopathy, distal, with early respiratory failure, autosomal dominant. Identifiers: Orphanet 178464, Orphanet 34521, MedGen C1863599, MONDO:0011362, OMIM 603689.
Tibial muscular dystrophy (TMD). Also called: UDD MYOPATHY; Udd Distal Myopathy – Tibial Muscular Dystrophy; Tibial muscular dystrophy, tardive. Identifiers: Orphanet 609, MedGen C1838244, MONDO:0010870, OMIM 600334.

Submissions (16):

Labcorp Genetics (formerly Invitae), Labcorp
Classification: Benign for Dilated cardiomyopathy 1G; Autosomal recessive limb-girdle muscular dystrophy type 2J. Last evaluated: 2026-02-04. Review status: criteria provided, single submitter. Criteria: Invitae Variant Classification Sherloc (09022015). Collection method: clinical testing. Allele origin: germline.

Molecular Diagnostic Laboratory for Inherited Cardiovascular Disease, Montreal Heart Institute
Classification: Benign. Last evaluated: 2025-04-09. Review status: criteria provided, single submitter. Criteria: ACMG Guidelines, 2015. Collection method: clinical testing. Allele origin: germline. Affected: no.

Blueprint Genetics
Classification: Benign. Last evaluated: 2024-11-26. Review status: criteria provided, single submitter. Criteria: ACMG Guidelines, 2015. Collection method: clinical testing. Allele origin: germline.

Genome-Nilou Lab
Classification: Benign for Autosomal recessive limb-girdle muscular dystrophy type 2J. Last evaluated: 2021-09-10. Review status: criteria provided, single submitter. Criteria: ACMG Guidelines, 2015. Collection method: clinical testing. Allele origin: germline. Affected: no.

Genome-Nilou Lab
Classification: Benign for Myopathy, myofibrillar, 9, with early respiratory failure. Last evaluated: 2021-09-10. Review status: criteria provided, single submitter. Criteria: ACMG Guidelines, 2015. Collection method: clinical testing. Allele origin: germline. Affected: no.

Genome-Nilou Lab
Classification: Benign for Early-onset myopathy with fatal cardiomyopathy. Last evaluated: 2021-09-10. Review status: criteria provided, single submitter. Criteria: ACMG Guidelines, 2015. Collection method: clinical testing. Allele origin: germline. Affected: no.

Genome-Nilou Lab
Classification: Benign for Tibial muscular dystrophy. Last evaluated: 2021-09-10. Review status: criteria provided, single submitter. Criteria: ACMG Guidelines, 2015. Collection method: clinical testing. Allele origin: germline. Affected: no.

Women's Health and Genetics/Laboratory Corporation of America, LabCorp
Classification: Benign. Last evaluated: 2019-08-19. Review status: criteria provided, single submitter. Criteria: LabCorp Variant Classification Summary - May 2015. Collection method: clinical testing. Allele origin: germline.
Comment: Variant summary: TTN c.26780-10dupT alters a non-conserved nucleotide located close to a canonical splice site and therefore could affect mRNA splicing, leading to a significantly altered protein sequence. 5/5 computational tools predict no significant impact on normal splicing. However, these predictions have yet to be confirmed by functional studies. The variant allele was found at a frequency of 0.1 in 201596 control chromosomes in the gnomAD database, including 809 homozygotes. The observed variant frequency is approximately 166 fold of the estimated maximal expected allele frequency for a pathogenic variant in TTN causing Cardiomyopathy phenotype (0.00063), strongly suggesting that the variant is benign. To our knowledge, no occurrence of c.26780-10dupT in individuals affected with Cardiomyopathy and no experimental evidence demonstrating its impact on protein function have been reported. Three submitters have provided clinical-significance assessments for this variant to ClinVar after 2014 without evidence for independent evaluation. All laboratories classified the variant as benign (2x) /likely benign (1x). Based on the evidence outlined above, the variant was classified as benign.

GeneDx
Classification: Benign. Last evaluated: 2018-06-11. Review status: criteria provided, single submitter. Criteria: GeneDx Variant Classification Process June 2021. Collection method: clinical testing. Allele origin: germline. Affected: yes.

Mayo Clinic Laboratories, Mayo Clinic
Classification: Benign. Last evaluated: 2018-01-17. Review status: criteria provided, single submitter. Criteria: ACMG Guidelines, 2015. Collection method: clinical testing. Allele origin: germline. Observed: 275 variant alleles.

Center for Pediatric Genomic Medicine, Children's Mercy Hospital and Clinics
Classification: Benign. Last evaluated: 2017-02-16. Review status: criteria provided, single submitter. Criteria: ACMG Guidelines, 2015. Collection method: clinical testing. Allele origin: germline.

Laboratory for Molecular Medicine, Mass General Brigham Personalized Medicine
Classification: Likely benign. Last evaluated: 2011-09-27. Review status: criteria provided, single submitter. Criteria: LMM Criteria. Collection method: clinical testing. Allele origin: germline. Observed: 131 variant alleles.

Clinical Genetics DNA and cytogenetics Diagnostics Lab, Erasmus MC, Erasmus Medical Center
Classification: Benign. Review status: no assertion criteria provided. Collection method: clinical testing. Allele origin: germline. Affected: yes. Study: VKGL Data-share Consensus. Not counted in ClinVar's aggregate classification.

Clinical Genetics, Academic Medical Center
Classification: Benign. Review status: no assertion criteria provided. Collection method: clinical testing. Allele origin: germline. Affected: yes. Study: VKGL Data-share Consensus. Not counted in ClinVar's aggregate classification.

Diagnostic Laboratory, Department of Genetics, University Medical Center Groningen
Classification: Likely benign. Review status: no assertion criteria provided. Collection method: clinical testing. Allele origin: germline. Affected: yes. Study: VKGL Data-share Consensus. Not counted in ClinVar's aggregate classification.

Laboratory of Diagnostic Genome Analysis, Leiden University Medical Center (LUMC)
Classification: Likely benign. Review status: no assertion criteria provided. Collection method: clinical testing. Allele origin: germline. Affected: yes. Study: VKGL Data-share Consensus. Not counted in ClinVar's aggregate classification.

NM_133378.4(TTN):c.26780-19dup

Gene: TTN (titin; minus strand). Cytogenetic location: 2q31.2.
Variant type: Duplication.
Coding change: c.26780-19dup on transcript NM_133378.4; 19 bases into the intron before coding-DNA position 26780, one base duplicated (T; older notation c.26780-19dupT).
Genome position (GRCh38, 1-based): chr2:178,702,076, A duplicated on the plus strand (T on the coding strand, the reverse complement: TTN is on the minus strand); the first of 10 consecutive A bases (chr2:178,702,076-178,702,085); duplicating any one gives the same sequence. VCF-style (leftmost placement, unchanged base first): chr2-178702075-T-TA. GRCh37 (hg19) VCF-style: chr2-179566802-T-TA.
Other names: p.?; c.30512-10dup (NM_001267550.2); c.13282+35997dup (NM_003319.4); c.13858+35997dup (NM_133437.4); c.13657+35997dup (NM_133432.3); c.29561-19dup (NM_001256850.1); c.30512-19dup (NM_001267550.2); c.26780-10dup (NM_133378.4); and 1 more.
Identifiers: ClinVar variation 46838 (VCV000046838.30), dbSNP rs397517532, ClinGen allele CA283083.